The following is an entry in ClinVar:

ClinVar aggregate classification (germline): Likely pathogenic (1 of 4 stars; one submission).

Conditions:
Platelet-type bleeding disorder 10. Also called: CD36 DEFICIENCY. Identifiers: MedGen C1842090, MONDO:0012031, OMIM 608404.

Submission:

Juno Genomics, Hangzhou Juno Genomics, Inc
Classification: Likely pathogenic for Platelet-type bleeding disorder 10. Review status: criteria provided, single submitter. Criteria: ACMG Guidelines, 2015. Collection method: clinical testing. Allele origin: germline.
Comment: Absent from controls (or at extremely low frequency if recessive) in Genome Aggregation Database.;Null variant in a gene where loss of function (LOF) is a known mechanism of disease.

NM_001001548.3(CD36):c.578_579del (p.Pro193fs)

Gene: CD36 (CD36 molecule (CD36 blood group); plus strand). Cytogenetic location: 7q21.11.
Variant type: Deletion.
Coding change: c.578_579del on transcript NM_001001548.3 (MANE Select); coding-DNA positions 578 to 579, 2 bases deleted (CT; older notation c.578_579delCT).
Protein change: p.Pro193fs; shifts the reading frame from proline 193.
Molecular consequence: frameshift variant. On other transcripts: non-coding transcript variant (1), intron variant (1).
Genome position (GRCh38, 1-based): chr7:80,663,138-80,663,139, CT deleted. VCF-style (leftmost placement, unchanged base first): chr7-80663137-CCT-C. GRCh37 (hg19) VCF-style: chr7-80292453-CCT-C.
Other names: c.578_579del, p.Pro193fs (NM_000072.3, NM_001001547.3, NM_001127443.2 and 6 more transcripts); c.350_351del, p.Pro117fs (NM_001289911.2); c.476_477del, p.Pro159fs (NM_001371079.1); c.113_114del, p.Pro38fs (NM_001371080.1, NM_001371081.1); c.430-1268_430-1267del (NM_001289909.1); short protein forms P117fs, P159fs, P193fs, P38fs.
Identifiers: ClinVar variation 5019628 (VCV005019628.2).
Genomic context (GRCh38, chr7:80,663,137, plus strand): 5'-AGAACTTTGAGAGAACTGTTATGGGGCTATAGGGATCCATTTTTGAGTTTGGTTCCGTAC[CCT>C]GTTACTACCACAGTTGGTCTGTTTTATCCTGTAAGTACCAAATATGAATGGCAATATTAT-3'